The following is an entry in ClinVar:

NM_014956.5(CEP164):c.1766A>G (p.Glu589Gly)

Gene: CEP164 (centrosomal protein 164; plus strand). Cytogenetic location: 11q23.3.
Variant type: single nucleotide variant.
Coding change: c.1766A>G on transcript NM_014956.5 (MANE Select); coding-DNA position 1766, A replaced by G.
Protein change: p.Glu589Gly; replaces glutamic acid 589 with glycine.
Molecular consequence: missense variant.
Genome position (GRCh38, 1-based): chr11:117,387,244, A>G. VCF-style: chr11-117387244-A-G. GRCh37 (hg19) VCF-style: chr11-117257960-A-G.
Other names: c.1775A>G, p.Glu592Gly (NM_001271933.2); short protein forms E589G, E592G.
Identifiers: ClinVar variation 1057109 (VCV001057109.9), dbSNP rs2136244992, ClinGen allele CA382717170.

ClinVar aggregate classification (germline): Uncertain significance (1 of 4 stars; one submission).

Conditions:
Nephronophthisis 15 (NPHP15). Identifiers: Orphanet 3156, MedGen C3541853, MONDO:0013917, OMIM 614845.

Submission:

Labcorp Genetics (formerly Invitae), Labcorp
Classification: Uncertain significance for Nephronophthisis 15. Last evaluated: 2020-01-31. Review status: criteria provided, single submitter. Criteria: Invitae Variant Classification Sherloc (09022015). Collection method: clinical testing. Allele origin: germline.
Comment: In summary, the available evidence is currently insufficient to determine the role of this variant in disease. Therefore, it has been classified as a Variant of Uncertain Significance. Algorithms developed to predict the effect of missense changes on protein structure and function output the following: SIFT: "Tolerated"; PolyPhen-2: "Possibly Damaging"; Align-GVGD: "Class C0". The glycine amino acid residue is found in multiple mammalian species, suggesting that this missense change does not adversely affect protein function. These predictions have not been confirmed by published functional studies and their clinical significance is uncertain. This variant has not been reported in the literature in individuals with CEP164-related conditions. This variant is not present in population databases (ExAC no frequency). This sequence change replaces glutamic acid with glycine at codon 589 of the CEP164 protein (p.Glu589Gly). The glutamic acid residue is moderately conserved and there is a moderate physicochemical difference between glutamic acid and glycine.